The following is an entry in ClinVar:

NM_001042492.3(NF1):c.3250C>G (p.Pro1084Ala)

Gene: NF1 (neurofibromin 1; plus strand). Cytogenetic location: 17q11.2.
Variant type: single nucleotide variant.
Coding change: c.3250C>G on transcript NM_001042492.3 (MANE Select); coding-DNA position 3250, C replaced by G.
Protein change: p.Pro1084Ala; replaces proline 1084 with alanine.
Molecular consequence: missense variant.
Genome position (GRCh38, 1-based): chr17:31,232,125, C>G. VCF-style: chr17-31232125-C-G. GRCh37 (hg19) VCF-style: chr17-29559143-C-G.
Other names: c.3250C>G, p.Pro1084Ala (NM_000267.4); short protein forms P1084A.
Identifiers: ClinVar variation 839012 (VCV000839012.37), dbSNP rs1555614848, ClinGen allele CA398988797.

ClinVar aggregate classification (germline): Conflicting classifications of pathogenicity. Review status: criteria provided, conflicting classifications (1 of 4 stars). 4 submissions from 4 submitters: Likely pathogenic (3); Uncertain significance (1). Last evaluated 2026-10-06.

Conditions:
Cardiovascular phenotype. Identifiers: MedGen CN230736.
Hereditary cancer-predisposing syndrome. Also called: Hereditary Cancer Syndrome; Neoplastic Syndromes, Hereditary; Tumor predisposition; Hereditary neoplastic syndrome. Identifiers: Orphanet 140162, MedGen C0027672, MeSH D009386, MONDO:0015356.
Neurofibromatosis, type 1 (NF1). Also called: NEUROFIBROMATOSIS, TYPE I, SOMATIC; VON RECKLINGHAUSEN DISEASE; Peripheral type neurofibromatosis; Neurofibromatosis, type I. Identifiers: Orphanet 636, MedGen C0027831, MONDO:0018975, OMIM 162200. Disease mechanism: loss of function.

Submissions (4):

NHS Central & South Genomic Laboratory Hub
Classification: Likely pathogenic for Neurofibromatosis type 1. Last evaluated: 2026-10-06. Review status: criteria provided, single submitter. Criteria: ACMG Guidelines, 2015. Collection method: clinical testing. Allele origin: germline. Affected: yes.

Ambry Genetics
Classification: Uncertain significance for Cardiovascular phenotype; Hereditary cancer-predisposing syndrome. Last evaluated: 2025-05-13. Review status: criteria provided, single submitter. Criteria: Ambry Variant Classification Scheme 2023. Collection method: clinical testing. Allele origin: germline.
Comment: The c.3250C>G (p.P1084A) alteration is located in exon 25 (coding exon 25) of the NF1 gene. This alteration results from a C to G substitution at nucleotide position 3250, causing the proline (P) at amino acid position 1084 to be replaced by an alanine (A). This variant was not reported in population-based cohorts in the Genome Aggregation Database (gnomAD). This amino acid position is highly conserved in available vertebrate species. The in silico prediction for this alteration is inconclusive. Based on insufficient or conflicting evidence, the clinical significance of this alteration remains unclear.

Labcorp Genetics (formerly Invitae), Labcorp
Classification: Likely pathogenic for Neurofibromatosis, type 1. Last evaluated: 2023-03-23. Review status: criteria provided, single submitter. Criteria: Invitae Variant Classification Sherloc (09022015). Collection method: clinical testing. Allele origin: germline.
Comment: This variant disrupts the p.Pro1084 amino acid residue in NF1. Other variant(s) that disrupt this residue have been determined to be pathogenic (PMID: 27322474; Invitae). This suggests that this residue is clinically significant, and that variants that disrupt this residue are likely to be disease-causing. In summary, the currently available evidence indicates that the variant is pathogenic, but additional data are needed to prove that conclusively. Therefore, this variant has been classified as Likely Pathogenic. Advanced modeling of protein sequence and biophysical properties (such as structural, functional, and spatial information, amino acid conservation, physicochemical variation, residue mobility, and thermodynamic stability) performed at Invitae indicates that this missense variant is expected to disrupt NF1 protein function. This sequence change replaces proline, which is neutral and non-polar, with alanine, which is neutral and non-polar, at codon 1084 of the NF1 protein (p.Pro1084Ala). This variant is not present in population databases (gnomAD no frequency). This variant has not been reported in the literature in individuals affected with NF1-related conditions. ClinVar contains an entry for this variant (Variation ID: 839012).

CeGaT Center for Human Genetics Tuebingen
Classification: Likely pathogenic. Last evaluated: 2022-10-01. Review status: criteria provided, single submitter. Criteria: CeGaT Center For Human Genetics Tuebingen Variant Classification Criteria Version 2. Collection method: clinical testing. Allele origin: germline. Affected: yes. Observed: 2 variant alleles.
Comment: NF1: PM1, PM2, PM5

Literature cited by the submitters: PubMed 27322474 (cited by Labcorp Genetics (formerly Invitae), Labcorp).